The following is an entry in ClinVar:

NM_014363.6(SACS):c.260G>A (p.Gly87Asp)

Gene: SACS (sacsin molecular chaperone; minus strand). Cytogenetic location: 13q12.12.
Variant type: single nucleotide variant.
Coding change: c.260G>A on transcript NM_014363.6 (MANE Select); coding-DNA position 260, G replaced by A.
Protein change: p.Gly87Asp; replaces glycine 87 with aspartic acid.
Molecular consequence: missense variant. On other transcripts: 5 prime UTR variant (1).
Genome position (GRCh38, 1-based): chr13:23,368,487, C>T on the plus strand (G>A on the coding strand, the complement: SACS is on the minus strand). VCF-style: chr13-23368487-C-T. GRCh37 (hg19) VCF-style: chr13-23942626-C-T.
Other names: c.-182G>A (NM_001278055.2); short protein forms G87D.
Identifiers: ClinVar variation 3068645 (VCV003068645.1), dbSNP rs2542458788, ClinGen allele CA387553375.
Genomic context (GRCh38, chr13:23,368,487, plus strand): 5'-TATCTTCTCAAAATGTCCTTGAGAAAATCAACAAGTGGTGGCGTTGTCTGACCAAATCGA[C>T]CTAAAATACGGAGCACATTTTAAGTGAGTTAGAAAAAAAATCCCATGAATTGTCACCAAT-3'
Protein context (NP_055178.3, residues 77-97): NLQSKGLKGG[Gly87Asp]RFGQTTPPLV

ClinVar aggregate classification (germline): Uncertain significance (1 of 4 stars; one submission).

Conditions:
Charlevoix-Saguenay spastic ataxia (SACS). Also called: AUTOSOMAL RECESSIVE SPASTIC ATAXIA OF CHARLEVOIX-SAGUENAY; SPASTIC ATAXIA 6, AUTOSOMAL RECESSIVE; Spastic ataxia of Charlevoix-Saguenay. Identifiers: Orphanet 98, MedGen C1849140, MONDO:0010041, OMIM 270550.

Allele frequency attached by ClinVar (database versions not stated): gnomAD exomes below 0.00001.

Submission:

Molecular Genetics, Royal Melbourne Hospital
Classification: Uncertain significance for Charlevoix-Saguenay spastic ataxia. Last evaluated: 2022-12-23. Review status: criteria provided, single submitter. Criteria: ACMG Guidelines, 2015. Collection method: clinical testing. Allele origin: germline.
Comment: This sequence change in SACS is predicted to replace glycine with aspartic acid at codon 87, p.(Gly87Asp). The glycine residue is highly conserved (81/81 vertebrates, UCSC), and is not located in an annotated functional domain. There is a moderate physicochemical difference between glycine and aspartic acid. This variant is absent from the population database gnomAD v2.1 and v3.1. To our knowledge, this variant has not been reported in the relevant scientific literature or databases. Multiple lines of computational evidence have conflicting predictions for the missense substitution (2/6 algorithms predict deleterious). Based on the classification scheme RMH Modified ACMG Guidelines v1.5.1, this variant is classified as a VARIANT OF UNCERTAIN SIGNIFICANCE. Following criteria are met: PM2_Supporting.